The following is an entry in ClinVar:

NM_030962.4(SBF2):c.2839A>G (p.Ile947Val)

Genes: SBF2 (SET binding factor 2; minus strand), LOC101928008 (uncharacterized LOC101928008; plus strand). Cytogenetic location: 11p15.4.
Variant type: single nucleotide variant.
Coding change: c.2839A>G on transcript NM_030962.4 (MANE Select); coding-DNA position 2839, A replaced by G.
Protein change: p.Ile947Val; replaces isoleucine 947 with valine.
Molecular consequence: missense variant.
Genome position (GRCh38, 1-based): chr11:9,847,051, T>C on the plus strand (A>G on the coding strand, the complement: SBF2 is on the minus strand). VCF-style: chr11-9847051-T-C. GRCh37 (hg19) VCF-style: chr11-9868598-T-C.
Other names: c.2839A>G, p.Ile947Val (NM_001386339.1); c.2710A>G, p.Ile904Val (NM_001386342.1); short protein forms I947V, I904V.
Identifiers: ClinVar variation 2147343 (VCV002147343.4), dbSNP rs766631000, ClinGen allele CA5881429.
Genomic context (GRCh38, chr11:9,847,051, plus strand): 5'-GCATGTTCTGCTGTAGCTGGTTCTGCATTGTAATCTTCTTCTCCTTGGTGATGGAGGCAA[T>C]GGGAAAGCTCCGCACAACTGTCTGCTCACCCACTGTAAATAGACAGGACACAGCTTCAGC-3'
Protein context (NP_112224.1, residues 937-957): GEQTVVRSFP[Ile947Val]ASITKEKKIT

ClinVar aggregate classification (germline): Uncertain significance (1 of 4 stars; one submission).

Conditions:
Charcot-Marie-Tooth disease type 4. Also called: Charcot-Marie-Tooth, Type 4; Charcot-Marie-Tooth disease, type IV. Identifiers: Orphanet 64749, MedGen C4082197, MONDO:0018995.

Allele frequency attached by ClinVar (database versions not stated): TOPMed below 0.00001; gnomAD exomes 0.00001; ExAC 0.00003; gnomAD 0.00003.
gnomAD v4.1: 24 of 1,613,670 alleles (0.0015%); highest among the groups gnomAD compares: African/African-American, 0.0013%; no homozygotes.

Submission:

Labcorp Genetics (formerly Invitae), Labcorp
Classification: Uncertain significance for Charcot-Marie-Tooth disease type 4. Last evaluated: 2023-11-27. Review status: criteria provided, single submitter. Criteria: Invitae Variant Classification Sherloc (09022015). Collection method: clinical testing. Allele origin: germline.
Comment: This sequence change replaces isoleucine, which is neutral and non-polar, with valine, which is neutral and non-polar, at codon 947 of the SBF2 protein (p.Ile947Val). This variant is present in population databases (rs766631000, gnomAD 0.02%). This variant has not been reported in the literature in individuals affected with SBF2-related conditions. ClinVar contains an entry for this variant (Variation ID: 2147343). Advanced modeling of protein sequence and biophysical properties (such as structural, functional, and spatial information, amino acid conservation, physicochemical variation, residue mobility, and thermodynamic stability) performed at Invitae indicates that this missense variant is not expected to disrupt SBF2 protein function with a negative predictive value of 80%. In summary, the available evidence is currently insufficient to determine the role of this variant in disease. Therefore, it has been classified as a Variant of Uncertain Significance.